The following is an entry in ClinVar:

ClinVar aggregate classification (germline): Likely pathogenic (1 of 4 stars; one submission).

Submission:

Foundation for Research in Genetics and Endocrinology, FRIGE's Institute of Human Genetics
Classification: Likely pathogenic. Review status: criteria provided, single submitter. Criteria: ACMG Guidelines, 2015. Collection method: clinical testing. Allele origin: germline. Inheritance: Autosomal dominant inheritance. Affected: yes. Observed: 1 heterozygote.
Comment: A heterozygous nonsense variation in exon 9 of the CCDC183 gene that results in the generation of premature stop codon at position 296 (p.Gln296Ter) was detected. This variant has not been reported in the 1000 genomes and gnomAD databases. The in-silico predictions of the variant are damaging by SIFT, LRT, MutationTaster2, CADD and REVEL. The reference codon is conserved across species. The reference codon is conserved across species. In summary, the variant meets our criteria to be classified as likely pathogenic.

NM_001039374.5(CCDC183):c.886C>T (p.Gln296Ter)

Genes: CCDC183 (coiled-coil domain containing 183; plus strand), CCDC183-AS1 (CCDC183 antisense RNA 1; minus strand). Cytogenetic location: 9q34.3.
Variant type: single nucleotide variant.
Coding change: c.886C>T on transcript NM_001039374.5 (MANE Select); coding-DNA position 886, C replaced by T.
Protein change: p.Gln296Ter; replaces glutamine 296 with a stop codon.
Molecular consequence: nonsense. On other transcripts: non-coding transcript variant (1).
Genome position (GRCh38, 1-based): chr9:136,805,395, C>T. VCF-style: chr9-136805395-C-T. GRCh37 (hg19) VCF-style: chr9-139699847-C-T.
Other names: p.Gln296Ter; short protein forms Q296*.
Identifiers: ClinVar variation 2691849 (VCV002691849.2), dbSNP rs2490946434, ClinGen allele CA375580491.